The following is an entry in ClinVar:

ClinVar aggregate classification (germline): Likely pathogenic (1 of 4 stars; one submission).

Submission:

Labcorp Genetics (formerly Invitae), Labcorp
Classification: Likely pathogenic. Last evaluated: 2021-10-04. Review status: criteria provided, single submitter. Criteria: Invitae Variant Classification Sherloc (09022015). Collection method: clinical testing. Allele origin: germline.
Comment: This variant has been observed in individual(s) with clinical features of cardiospondylocarpofacial syndrome (Invitae). In at least one individual the variant was observed to be de novo. In summary, the currently available evidence indicates that the variant is pathogenic, but additional data are needed to prove that conclusively. Therefore, this variant has been classified as Likely Pathogenic. Experimental studies and prediction algorithms are not available or were not evaluated, and the functional significance of this variant is currently unknown. This variant is not present in population databases (ExAC no frequency). This variant, c.625_627dup, results in the insertion of 1 amino acid(s) to the MAP3K7 protein (p.Lys209dup), but otherwise preserves the integrity of the reading frame.

NM_145331.3(MAP3K7):c.625_627dup (p.Lys209dup)

Gene: MAP3K7 (mitogen-activated protein kinase kinase kinase 7; minus strand). Cytogenetic location: 6q15.
Variant type: Duplication.
Coding change: c.625_627dup on transcript NM_145331.3 (MANE Select); coding-DNA positions 625 to 627, 3 bases duplicated (AAA; older notation c.625_627dupAAA).
Protein change: p.Lys209dup; duplicates lysine 209.
Molecular consequence: inframe insertion.
Genome position (GRCh38, 1-based): chr6:90,553,567-90,553,569, TTT duplicated on the plus strand (AAA on the coding strand, the reverse complement: MAP3K7 is on the minus strand); duplicating any 3 consecutive bases within chr6:90,553,567-90,553,571 gives the same sequence; the c. name uses the placement nearest the transcript's 3' end. VCF-style (leftmost placement, unchanged base first): chr6-90553566-A-ATTT. GRCh37 (hg19) VCF-style: chr6-91263285-A-ATTT.
Other names: c.625_627dup, p.Lys209dup (NM_003188.4, NM_145332.3, NM_145333.3).
Identifiers: ClinVar variation 1349311 (VCV001349311.6), dbSNP rs2127975265, ClinGen allele CA2573141334.
Genomic context (GRCh38, chr6:90,553,566, plus strand): 5'-CAAAGGGTTTCCGACGCGTTATCACTTCCCAAAGAATAATACCCCAGCTGAAGACGTCAC[A>ATTT]TTTTTCACTGTAATTACTACCTAGAAAAAAAAAAGGTAGTATATAACCTAAAGACTATTT-3'